The following is an entry in ClinVar:

NM_201280.3(BLOC1S5):c.147C>T (p.His49=)

Genes: BLOC1S5 (biogenesis of lysosomal organelles complex 1 subunit 5; minus strand), BLOC1S5-TXNDC5 (BLOC1S5-TXNDC5 readthrough (NMD candidate); minus strand), EEF1E1-BLOC1S5 (EEF1E1-BLOC1S5 readthrough (NMD candidate); minus strand). Cytogenetic location: 6p24.3.
Variant type: single nucleotide variant.
Coding change: c.147C>T on transcript NM_201280.3 (MANE Select); coding-DNA position 147, C replaced by T.
Protein change: p.His49=; no amino-acid change (histidine 49 retained).
Molecular consequence: synonymous variant. On other transcripts: non-coding transcript variant (2), 5 prime UTR variant (1).
Genome position (GRCh38, 1-based): chr6:8,062,582, G>A on the plus strand (C>T on the coding strand, the complement: BLOC1S5 is on the minus strand). VCF-style: chr6-8062582-G-A. GRCh37 (hg19) VCF-style: chr6-8062815-G-A.
Other names: p.His49=; c.-149C>T (NM_001199322.1); c.147C>T, p.His49= (NM_001199323.1).
Identifiers: ClinVar variation 4684903 (VCV004684903.1).

ClinVar aggregate classification (germline): Likely benign (1 of 4 stars; one submission).

gnomAD v4.1: 29 of 1,603,386 alleles (0.0018%); highest among the groups gnomAD compares: South Asian, 0.031%; 1 homozygote.

Submission:

Mayo Clinic Laboratories, Mayo Clinic
Classification: Likely benign. Last evaluated: 2025-07-14. Review status: criteria provided, single submitter. Criteria: ACMG Guidelines, 2015. Collection method: clinical testing. Allele origin: germline. Observed: 1 variant allele.
Comment: BP4, BP7